The following is an entry in ClinVar:

NM_004360.5(CDH1):c.618T>C (p.Ile206=)

Gene: CDH1 (cadherin 1; plus strand). Cytogenetic location: 16q22.1.
Variant type: single nucleotide variant.
Coding change: c.618T>C on transcript NM_004360.5 (MANE Select); coding-DNA position 618, T replaced by C.
Protein change: p.Ile206=; no amino-acid change (isoleucine 206 retained).
Molecular consequence: synonymous variant. On other transcripts: 5 prime UTR variant (2).
Genome position (GRCh38, 1-based): chr16:68,808,779, T>C. VCF-style: chr16-68808779-T-C. GRCh37 (hg19) VCF-style: chr16-68842682-T-C.
Other names: c.618T>C (LRG_301t1); c.618T>C, p.Ile206= (NM_001317184.2); c.-998T>C (NM_001317185.2); c.-1202T>C (NM_001317186.2).
Identifiers: ClinVar variation 382198 (VCV000382198.3), dbSNP rs1057521280, ClinGen allele CA16607353.

ClinVar aggregate classification (germline): Likely benign. Review status: criteria provided, multiple submitters, no conflicts (2 of 4 stars). 3 submissions from 3 submitters: Likely benign (3). Last evaluated 2025-04-29.

Conditions:
Hereditary cancer-predisposing syndrome. Also called: Hereditary neoplastic syndrome; Tumor predisposition; Neoplastic Syndromes, Hereditary; Hereditary Cancer Syndrome. Identifiers: Orphanet 140162, MedGen C0027672, MeSH D009386, MONDO:0015356.
Hereditary diffuse gastric adenocarcinoma (HDGC). Also called: DIFFUSE GASTRIC AND LOBULAR BREAST CANCER SYNDROME. Identifiers: Orphanet 26106, MedGen C1708349, MONDO:0007648, OMIM 137215.

Submissions (3):

Labcorp Genetics (formerly Invitae), Labcorp
Classification: Likely benign for Hereditary diffuse gastric adenocarcinoma. Last evaluated: 2025-04-29. Review status: criteria provided, single submitter. Criteria: Invitae Variant Classification Sherloc (09022015). Collection method: clinical testing. Allele origin: germline.

Ambry Genetics
Classification: Likely benign for Hereditary cancer-predisposing syndrome. Last evaluated: 2024-05-05. Review status: criteria provided, single submitter. Criteria: Ambry Variant Classification Scheme 2023. Collection method: clinical testing. Allele origin: germline.

GeneDx
Classification: Likely benign. Last evaluated: 2015-12-08. Review status: criteria provided, single submitter. Criteria: GeneDx Variant Classification (06012015). Collection method: clinical testing. Allele origin: germline. Affected: yes.
Comment: This variant is considered likely benign or benign based on one or more of the following criteria: it is a conservative change, it occurs at a poorly conserved position in the protein, it is predicted to be benign by multiple in silico algorithms, and/or has population frequency not consistent with disease.